The following is an entry in ClinVar:

NM_002473.6(MYH9):c.5513G>A (p.Arg1838His)

Gene: MYH9 (myosin heavy chain 9; minus strand). Cytogenetic location: 22q12.3.
Variant type: single nucleotide variant.
Coding change: c.5513G>A on transcript NM_002473.6 (MANE Select); coding-DNA position 5513, G replaced by A.
Protein change: p.Arg1838His; replaces arginine 1838 with histidine.
Molecular consequence: missense variant.
Genome position (GRCh38, 1-based): chr22:36,284,482, C>T on the plus strand (G>A on the coding strand, the complement: MYH9 is on the minus strand). VCF-style: chr22-36284482-C-T. GRCh37 (hg19) VCF-style: chr22-36680528-C-T.
Other names: short protein forms R1838H.
Identifiers: ClinVar variation 1313432 (VCV001313432.4), dbSNP rs1228543932, ClinGen allele CA411373003.

ClinVar aggregate classification (germline): Uncertain significance (1 of 4 stars; one submission).

Allele frequency attached by ClinVar (database versions not stated): gnomAD exomes below 0.00001 and 0.00001; gnomAD 0.00001; TOPMed 0.00001.
gnomAD v4.1: 13 of 1,613,166 alleles (0.00081%); highest among the groups gnomAD compares: African/African-American, 0.0013%; no homozygotes.

Submission:

GeneDx
Classification: Uncertain significance. Last evaluated: 2023-01-31. Review status: criteria provided, single submitter. Criteria: GeneDx Variant Classification Process June 2021. Collection method: clinical testing. Allele origin: germline. Affected: yes.
Comment: Not observed at a significant frequency in large population cohorts (gnomAD); In silico analysis supports that this missense variant has a deleterious effect on protein structure/function; Has not been previously published as pathogenic or benign to our knowledge